The following is an entry in ClinVar:

ClinVar aggregate classification (germline): Uncertain significance. Review status: criteria provided, multiple submitters, no conflicts (2 of 4 stars). 2 submissions from 2 submitters: Uncertain significance (2). Last evaluated 2023-06-29.

Conditions:
Multiple mitochondrial dysfunctions syndrome 3 (MMDS3). Identifiers: Orphanet 363424, MedGen C3809165, MONDO:0014132, OMIM 615330.
Hereditary spastic paraplegia 74. Also called: Spastic paraplegia 74, autosomal recessive. Identifiers: Orphanet 468661, MedGen C5568837, MONDO:0014644, OMIM 616451.

Allele frequency attached by ClinVar (database versions not stated): gnomAD exomes 0.00002.
gnomAD v4.1: 10 of 1,610,878 alleles (0.00062%); highest among the groups gnomAD compares: South Asian, 0.0044%; no homozygotes.

Submissions (2):

Labcorp Genetics (formerly Invitae), Labcorp
Classification: Uncertain significance for Multiple mitochondrial dysfunctions syndrome 3; Hereditary spastic paraplegia 74. Last evaluated: 2023-06-29. Review status: criteria provided, single submitter. Criteria: Invitae Variant Classification Sherloc (09022015). Collection method: clinical testing. Allele origin: germline.
Comment: In summary, the available evidence is currently insufficient to determine the role of this variant in disease. Therefore, it has been classified as a Variant of Uncertain Significance. This sequence change replaces arginine, which is basic and polar, with tryptophan, which is neutral and slightly polar, at codon 147 of the IBA57 protein (p.Arg147Trp). This variant is present in population databases (rs776476430, gnomAD 0.007%). This variant has not been reported in the literature in individuals affected with IBA57-related conditions. ClinVar contains an entry for this variant (Variation ID: 2053083). Advanced modeling of protein sequence and biophysical properties (such as structural, functional, and spatial information, amino acid conservation, physicochemical variation, residue mobility, and thermodynamic stability) performed at Invitae indicates that this missense variant is expected to disrupt IBA57 protein function.

Blueprint Genetics
Classification: Uncertain significance. Last evaluated: 2020-12-28. Review status: criteria provided, single submitter. Criteria: ACMG Guidelines, 2015. Collection method: clinical testing. Allele origin: germline.

NM_001010867.4(IBA57):c.439C>T (p.Arg147Trp)

Gene: IBA57 (iron-sulfur cluster assembly factor IBA57; plus strand). Cytogenetic location: 1q42.13.
Variant type: single nucleotide variant.
Coding change: c.439C>T on transcript NM_001010867.4 (MANE Select); coding-DNA position 439, C replaced by T.
Protein change: p.Arg147Trp; replaces arginine 147 with tryptophan.
Molecular consequence: missense variant. On other transcripts: 5 prime UTR variant (1).
Genome position (GRCh38, 1-based): chr1:228,174,789, C>T. VCF-style: chr1-228174789-C-T. GRCh37 (hg19) VCF-style: chr1-228362490-C-T.
Other names: c.-141C>T (NM_001310327.2); short protein forms R147W.
Identifiers: ClinVar variation 2053083 (VCV002053083.5), dbSNP rs776476430, ClinGen allele CA1431152.
Genomic context (GRCh38, chr1:228,174,789, plus strand): 5'-GAGTGTGACAGCTCGGTGCAGGGCGCGCTGCAGAAGCACCTCGCGCTATACAGGATCCGG[C>T]GGAAGGTCACGGTGGAGCCGCACCCGGAGCTGCGAGTGTGGGCGGTGTTGCCCAGTTCCC-3'
Protein context (NP_001010867.1, residues 137-157): QKHLALYRIR[Arg147Trp]KVTVEPHPEL